The following is an entry in ClinVar:

ClinVar aggregate classification (germline): Likely pathogenic (0 of 4 stars; one submission).

Conditions:
X-linked mixed hearing loss with perilymphatic gusher. Also called: NANCE DEAFNESS; PERILYMPHATIC GUSHER-DEAFNESS SYNDROME; Gusher syndrome; SENSORINEURAL DEAFNESS, PROFOUND, WITH OR WITHOUT A CONDUCTIVE COMPONENT, ASSOCIATED WITH A UNIQUE DEVELOPMENTAL ABNORMALITY OF THE EAR; Deafness, X-linked 2. Identifiers: Orphanet 383, MedGen C1844678, MONDO:0010576, OMIM 304400.

Submission:

Department of Pediatrics, Division of Medical Genetics, Faculty of Medicine Ramathibodi Hospital, Mahidol University
Classification: Likely pathogenic for X-linked mixed hearing loss with perilymphatic gusher. Last evaluated: 2025-03-12. Review status: no assertion criteria provided. Collection method: research. Allele origin: germline. Inheritance: X-linked recessive inheritance. Affected: yes. Observed: 1 hemizygote.
Comment: This sequence change creates a premature translational stop signal (p.Thr230Asnfs*41) in the POU3F4 gene. It is expected to result in an absent or disrupted protein product. Loss-of-function variants in POU3F4 are known to be pathogenic (PMID: 27941975). This variant is not present in population databases (gnomAD no frequency). For these reasons, this variant has been classified as Likely-pathogenic.

Literature cited by the submitters: PubMed 27941975.

NM_000307.5(POU3F4):c.688dup (p.Thr230fs)

Gene: POU3F4 (POU class 3 homeobox 4; plus strand). Cytogenetic location: Xq21.1.
Variant type: Duplication.
Coding change: c.688dup on transcript NM_000307.5 (MANE Select); coding-DNA position 688, one base duplicated (A; older notation c.688dupA).
Protein change: p.Thr230fs; shifts the reading frame from threonine 230.
Molecular consequence: frameshift variant.
Genome position (GRCh38, 1-based): chrX:83,509,012, A duplicated. VCF-style (leftmost placement, unchanged base first): chrX-83509011-G-GA. GRCh37 (hg19) VCF-style: chrX-82764019-G-GA.
Other names: short protein forms T230fs.
Identifiers: ClinVar variation 3774368 (VCV003774368.1).
Genomic context (GRCh38, chrX:83,509,011, plus strand): 5'-CTTCACGCAGGCCGACGTGGGGTTGGCGCTGGGCACACTGTATGGTAACGTGTTCTCGCA[G>GA]ACCACCATCTGCAGGTTCGAGGCCTTGCAGCTGAGCTTCAAAAATATGTGCAAGCTGAAG-3'